The following is an entry in ClinVar:

ClinVar aggregate classification (germline): Likely benign. Review status: criteria provided, single submitter (1 of 4 stars). 2 submissions from 2 submitters: Likely benign (1). 1 of the submissions does not count toward it. Last evaluated 2025-10-14.

Conditions:
INPPL1-related disorder. Also called: INPPL1-related condition.

Allele frequency attached by ClinVar (database versions not stated): gnomAD 0.00007; ESP Exome Variant Server 0.00008; TOPMed 0.00008; gnomAD exomes 0.00009; ExAC 0.00010.
gnomAD v4.1: 167 of 1,613,352 alleles (0.01%); highest among the groups gnomAD compares: Middle Eastern, 0.033%; no homozygotes.

Submissions (2):

Labcorp Genetics (formerly Invitae), Labcorp
Classification: Likely benign. Last evaluated: 2025-10-14. Review status: criteria provided, single submitter. Criteria: Invitae Variant Classification Sherloc (09022015). Collection method: clinical testing. Allele origin: germline.

PreventionGenetics, part of Exact Sciences
Classification: Likely benign for INPPL1-related condition. Last evaluated: 2023-10-01. Review status: no assertion criteria provided. Collection method: clinical testing. Allele origin: germline. Not counted in ClinVar's aggregate classification.
Comment: This variant is classified as likely benign based on ACMG/AMP sequence variant interpretation guidelines (Richards et al. 2015 PMID: 25741868, with internal and published modifications).

NM_001567.4(INPPL1):c.1458C>T (p.Arg486=)

Gene: INPPL1 (inositol polyphosphate phosphatase like 1; plus strand). Cytogenetic location: 11q13.4.
Variant type: single nucleotide variant.
Coding change: c.1458C>T on transcript NM_001567.4 (MANE Select); coding-DNA position 1458, C replaced by T.
Protein change: p.Arg486=; no amino-acid change (arginine 486 retained).
Molecular consequence: synonymous variant.
Genome position (GRCh38, 1-based): chr11:72,231,150, C>T. VCF-style: chr11-72231150-C-T. GRCh37 (hg19) VCF-style: chr11-71942194-C-T.
Other names: c.1458C>T (NM_001567.3).
Identifiers: ClinVar variation 1627403 (VCV001627403.10), dbSNP rs369385702, ClinGen allele CA6170030.